The following is an entry in ClinVar:

NM_006904.7(PRKDC):c.7997C>T (p.Pro2666Leu)

Gene: PRKDC (protein kinase, DNA-activated, catalytic subunit; minus strand). Cytogenetic location: 8q11.21.
Variant type: single nucleotide variant.
Coding change: c.7997C>T on transcript NM_006904.7 (MANE Select); coding-DNA position 7997, C replaced by T.
Protein change: p.Pro2666Leu; replaces proline 2666 with leucine.
Molecular consequence: missense variant.
Genome position (GRCh38, 1-based): chr8:47,834,351, G>A on the plus strand (C>T on the coding strand, the complement: PRKDC is on the minus strand). VCF-style: chr8-47834351-G-A. GRCh37 (hg19) VCF-style: chr8-48746912-G-A.
Other names: c.7997C>T, p.Pro2666Leu (NM_001081640.2); short protein forms P2666L.
Identifiers: ClinVar variation 574280 (VCV000574280.7), dbSNP rs779687004, ClinGen allele CA4739962.

ClinVar aggregate classification (germline): Uncertain significance (1 of 4 stars; one submission).

Conditions:
Severe combined immunodeficiency due to DNA-PKcs deficiency. Also called: IMMUNODEFICIENCY 26 WITH NEUROLOGIC ABNORMALITIES; Immunodeficiency 26 with or without neurologic abnormalities. Identifiers: Orphanet 317425, MedGen C4014833, MONDO:0014423, OMIM 615966.

Allele frequency attached by ClinVar (database versions not stated): TOPMed 0.00001; ExAC 0.00002; gnomAD 0.00002; gnomAD exomes 0.00002 and 0.00006.
gnomAD v4.1: 88 of 1,613,840 alleles (0.0055%); highest among the groups gnomAD compares: Non-Finnish European, 0.0072%; no homozygotes.

Submission:

Labcorp Genetics (formerly Invitae), Labcorp
Classification: Uncertain significance for Severe combined immunodeficiency due to DNA-PKcs deficiency. Last evaluated: 2022-02-10. Review status: criteria provided, single submitter. Criteria: Invitae Variant Classification Sherloc (09022015). Collection method: clinical testing. Allele origin: germline.
Comment: In summary, the available evidence is currently insufficient to determine the role of this variant in disease. Therefore, it has been classified as a Variant of Uncertain Significance. Algorithms developed to predict the effect of missense changes on protein structure and function output the following: SIFT: "Not Available"; PolyPhen-2: "Not Available"; Align-GVGD: "Not Available". The leucine amino acid residue is found in multiple mammalian species, which suggests that this missense change does not adversely affect protein function. ClinVar contains an entry for this variant (Variation ID: 574280). This variant has not been reported in the literature in individuals affected with PRKDC-related conditions. This variant is present in population databases (rs779687004, gnomAD 0.01%). This sequence change replaces proline, which is neutral and non-polar, with leucine, which is neutral and non-polar, at codon 2666 of the PRKDC protein (p.Pro2666Leu).